The following is an entry in ClinVar:

ClinVar aggregate classification (germline): Uncertain significance (1 of 4 stars; one submission).

Conditions:
Inflammatory skin and bowel disease, neonatal, 1. Identifiers: Orphanet 294023, MedGen C3280501, MONDO:0013693, OMIM 614328.

Submission:

Labcorp Genetics (formerly Invitae), Labcorp
Classification: Uncertain significance for Inflammatory skin and bowel disease, neonatal, 1. Last evaluated: 2025-09-02. Review status: criteria provided, single submitter. Criteria: Invitae Variant Classification Sherloc (09022015). Collection method: clinical testing. Allele origin: germline.
Comment: This sequence change replaces aspartic acid, which is acidic and polar, with alanine, which is neutral and non-polar, at codon 606 of the ADAM17 protein (p.Asp606Ala). This variant is not present in population databases (gnomAD no frequency). This variant has not been reported in the literature in individuals affected with ADAM17-related conditions. ClinVar contains an entry for this variant (Variation ID: 644916). An algorithm developed to predict the effect of missense changes on protein structure and function (PolyPhen-2) suggests that this variant is likely to be tolerated. In summary, the available evidence is currently insufficient to determine the role of this variant in disease. Therefore, it has been classified as a Variant of Uncertain Significance.

NM_003183.6(ADAM17):c.1817A>C (p.Asp606Ala)

Genes: ADAM17 (ADAM metallopeptidase domain 17; minus strand), IAH1 (isoamyl acetate hydrolyzing esterase 1 (putative); plus strand). Cytogenetic location: 2p25.1.
Variant type: single nucleotide variant.
Coding change: c.1817A>C on transcript NM_003183.6 (MANE Select); coding-DNA position 1817, A replaced by C.
Protein change: p.Asp606Ala; replaces aspartic acid 606 with alanine.
Molecular consequence: missense variant.
Genome position (GRCh38, 1-based): chr2:9,494,734, T>G on the plus strand (A>C on the coding strand, the complement: ADAM17 is on the minus strand). VCF-style: chr2-9494734-T-G. GRCh37 (hg19) VCF-style: chr2-9634863-T-G.
Other names: c.1817A>C, p.Asp606Ala (LRG_1203t1); short protein forms D606A.
Identifiers: ClinVar variation 644916 (VCV000644916.7), dbSNP rs1572880990, ClinGen allele CA345797189.